The following is an entry in ClinVar:

NM_003072.5(SMARCA4):c.126G>C (p.Met42Ile)

Gene: SMARCA4 (SWI/SNF related BAF chromatin remodeling complex subunit ATPase 4; plus strand). Cytogenetic location: 19p13.2.
Variant type: single nucleotide variant.
Coding change: c.126G>C on transcript NM_003072.5 (MANE Select); coding-DNA position 126, G replaced by C.
Protein change: p.Met42Ile; replaces methionine 42 with isoleucine.
Molecular consequence: missense variant. On other transcripts: non-coding transcript variant (1).
Genome position (GRCh38, 1-based): chr19:10,984,277, G>C. VCF-style: chr19-10984277-G-C. GRCh37 (hg19) VCF-style: chr19-11094953-G-C.
Other names: c.126G>C, p.Met42Ile (NM_001128844.3, NM_001128845.2, NM_001128846.2 and 5 more transcripts); short protein forms M42I.
Identifiers: ClinVar variation 486481 (VCV000486481.17), dbSNP rs765325777, ClinGen allele CA9203406.
Genomic context (GRCh38, chr19:10,984,277, plus strand): 5'-TTCCCCTGGAGCCATGCTGGGCCCTAGCCCGGGTCCCTCGCCGGGCTCCGCCCACAGCAT[G>C]ATGGGGCCCAGCCCAGGGCCGCCCTCAGCAGGACACCCCATCCCCACCCAGGGGCCTGGA-3'
Protein context (NP_003063.2, residues 32-52): PGPSPGSAHS[Met42Ile]MGPSPGPPSA

ClinVar aggregate classification (germline): Uncertain significance. Review status: criteria provided, multiple submitters, no conflicts (2 of 4 stars). 4 submissions from 4 submitters: Uncertain significance (4). Last evaluated 2025-10-01.

Conditions:
Intellectual disability, autosomal dominant 16 (CSS4). Also called: COFFIN-SIRIS SYNDROME 4. Identifiers: Orphanet 1465, MedGen C3553249, MONDO:0013821, OMIM 614609.
Hereditary cancer-predisposing syndrome. Also called: Tumor predisposition; Hereditary Cancer Syndrome; Hereditary neoplastic syndrome; Neoplastic Syndromes, Hereditary. Identifiers: Orphanet 140162, MedGen C0027672, MeSH D009386, MONDO:0015356.
Rhabdoid tumor predisposition syndrome 2 (RTPS2). Identifiers: Orphanet 231108, Orphanet 69077, MedGen C2750074, MONDO:0013224, OMIM 613325.

Allele frequency attached by ClinVar (database versions not stated): gnomAD exomes below 0.00001; ExAC 0.00001.

Submissions (4):

Labcorp Genetics (formerly Invitae), Labcorp
Classification: Uncertain significance for Rhabdoid tumor predisposition syndrome 2. Last evaluated: 2025-10-01. Review status: criteria provided, single submitter. Criteria: Invitae Variant Classification Sherloc (09022015). Collection method: clinical testing. Allele origin: germline.
Comment: This sequence change replaces methionine, which is neutral and non-polar, with isoleucine, which is neutral and non-polar, at codon 42 of the SMARCA4 protein (p.Met42Ile). This variant is present in population databases (rs765325777, gnomAD 0.003%). This variant has not been reported in the literature in individuals affected with SMARCA4-related conditions. ClinVar contains an entry for this variant (Variation ID: 486481). Invitae Evidence Modeling of protein sequence and biophysical properties (such as structural, functional, and spatial information, amino acid conservation, physicochemical variation, residue mobility, and thermodynamic stability) indicates that this missense variant is not expected to disrupt SMARCA4 protein function with a negative predictive value of 80%. In summary, the available evidence is currently insufficient to determine the role of this variant in disease. Therefore, it has been classified as a Variant of Uncertain Significance.

Ambry Genetics
Classification: Uncertain significance for Hereditary cancer-predisposing syndrome. Last evaluated: 2024-10-28. Review status: criteria provided, single submitter. Criteria: Ambry Variant Classification Scheme 2023. Collection method: clinical testing. Allele origin: germline.
Comment: The p.M42I variant (also known as c.126G>C), located in coding exon 1 of the SMARCA4 gene, results from a G to C substitution at nucleotide position 126. The methionine at codon 42 is replaced by isoleucine, an amino acid with highly similar properties. Missense and in-frame variants in SMARCA4 are known to cause neurodevelopmental disorders; however, such associations with rhabdoid tumor predisposition syndrome including small cell carcinoma of the ovary-hypercalcemic type (SCCOHT) are exceedingly rare (Kosho T et al. Am J Med Genet C Semin Med Genet. 2014 Sep;166C(3):262-75; Jelinic P et al. Nat Genet. 2014 May;46(5):424-6). This amino acid position is highly conserved in available vertebrate species. In addition, the in silico prediction for this alteration is inconclusive. Based on the supporting evidence, the association of this alteration with Coffin-Siris syndrome is unknown; however, the association of this alteration with rhabdoid tumor predisposition syndrome is unlikely.

Baylor Genetics
Classification: Uncertain significance for Rhabdoid tumor predisposition syndrome 2. Last evaluated: 2024-03-24. Review status: criteria provided, single submitter. Criteria: ACMG Guidelines, 2015. Collection method: clinical testing. Allele origin: unknown.

Genome-Nilou Lab
Classification: Uncertain significance for Intellectual disability, autosomal dominant 16. Last evaluated: 2021-07-15. Review status: criteria provided, single submitter. Criteria: ACMG Guidelines, 2015. Collection method: clinical testing. Allele origin: germline. Affected: no.